The following is an entry in ClinVar:

NM_020693.4(DSCAML1):c.6103G>T (p.Val2035Leu)

Gene: DSCAML1 (DS cell adhesion molecule like 1; minus strand). Cytogenetic location: 11q23.3.
Variant type: single nucleotide variant.
Coding change: c.6103G>T on transcript NM_020693.4 (MANE Select); coding-DNA position 6103, G replaced by T.
Protein change: p.Val2035Leu; replaces valine 2035 with leucine.
Molecular consequence: missense variant.
Genome position (GRCh38, 1-based): chr11:117,428,387, C>A on the plus strand (G>T on the coding strand, the complement: DSCAML1 is on the minus strand). VCF-style: chr11-117428387-C-A. GRCh37 (hg19) VCF-style: chr11-117299103-C-A.
Other names: short protein forms V2035L.
Identifiers: ClinVar variation 2992298 (VCV002992298.3), dbSNP rs371134042, ClinGen allele CA229391431.

ClinVar aggregate classification (germline): Uncertain significance (1 of 4 stars; one submission).

gnomAD v4.1: 8 of 1,589,244 alleles (0.0005%); highest among the groups gnomAD compares: Non-Finnish European, 0.00068%; no homozygotes.

Submission:

Labcorp Genetics (formerly Invitae), Labcorp
Classification: Uncertain significance. Last evaluated: 2022-11-03. Review status: criteria provided, single submitter. Criteria: Invitae Variant Classification Sherloc (09022015). Collection method: clinical testing. Allele origin: germline.
Comment: In summary, the available evidence is currently insufficient to determine the role of this variant in disease. Therefore, it has been classified as a Variant of Uncertain Significance. Algorithms developed to predict the effect of missense changes on protein structure and function (SIFT, PolyPhen-2, Align-GVGD) all suggest that this variant is likely to be tolerated. This variant has not been reported in the literature in individuals affected with DSCAML1-related conditions. This variant is not present in population databases (gnomAD no frequency). This sequence change replaces valine, which is neutral and non-polar, with leucine, which is neutral and non-polar, at codon 2095 of the DSCAML1 protein (p.Val2095Leu).